The following is an entry in ClinVar:

NC_000019.9:g.(17081844_17085906)_(17086069_17086811)del

Gene: CPAMD8 (C3 and PZP like alpha-2-macroglobulin domain containing 8; minus strand). Cytogenetic location: 19p13.11.
Variant type: Deletion.
Identifiers: ClinVar variation 3335956 (VCV003335956.1).

ClinVar aggregate classification (germline): Uncertain significance (1 of 4 stars; one submission).

Submission:

Women's Health and Genetics/Laboratory Corporation of America, LabCorp
Classification: Uncertain significance. Last evaluated: 2024-05-30. Review status: criteria provided, single submitter. Criteria: LabCorp Variant Classification Summary - May 2015. Collection method: clinical testing. Allele origin: germline.
Comment: Variant summary: The variant involves the deletion of exon 17 in the CPAMD8 gene. A presumed nomenclature of c.(1908+1_1909-1)_(2070+1_2071-1)del has been designated for the purposes of this classification. This Copy Number Variant (CNV) is predicted to result in an in-frame deletion within this gene. A deletion variant which encompasses exon 17 (size: 1,106 bp) was found at a frequency of 5e-05 in 120774 control chromosomes in the gnomAD database (CNVs v4.1 dataset). To our knowledge, no occurrence of c.(1908+1_1909-1)_(2070+1_2071-1)del in individuals affected with Anterior Segment Dysgenesis 8 and no experimental evidence demonstrating its impact on protein function have been reported. No submitters have cited clinical-significance assessments for this variant to ClinVar. Based on the evidence outlined above, the variant was classified as uncertain significance.